The following is an entry in ClinVar:

NM_002303.6(LEPR):c.2379G>T (p.Lys793Asn)

Gene: LEPR (leptin receptor; plus strand). Cytogenetic location: 1p31.3.
Variant type: single nucleotide variant.
Coding change: c.2379G>T on transcript NM_002303.6 (MANE Select); coding-DNA position 2379, G replaced by T.
Protein change: p.Lys793Asn; replaces lysine 793 with asparagine.
Molecular consequence: missense variant.
Genome position (GRCh38, 1-based): chr1:65,618,130, G>T. VCF-style: chr1-65618130-G-T. GRCh37 (hg19) VCF-style: chr1-66083813-G-T.
Other names: c.2379G>T, p.Lys793Asn (NM_001003679.3, NM_001003680.3, NM_001198687.2 and 2 more transcripts); short protein forms K793N.
Identifiers: ClinVar variation 4981091 (VCV004981091.1).

ClinVar aggregate classification (germline): Uncertain significance (1 of 4 stars; one submission).

Conditions:
LEPR-related disorder. Also called: LEPR-related disorders; LEPR-related condition.

gnomAD v4.1: 3 of 1,607,638 alleles (0.00019%); highest among the groups gnomAD compares: African/African-American, 0.004%; no homozygotes.

Submission:

PreventionGenetics, part of Exact Sciences
Classification: Uncertain significance for LEPR-related condition. Last evaluated: 2026-02-02. Review status: criteria provided, single submitter. Criteria: ACMG Guidelines, 2015. Collection method: clinical testing. Allele origin: germline.
Comment: The LEPR c.2379G>T variant is predicted to result in the amino acid substitution p.Lys793Asn. To our knowledge, this variant has not been reported in the literature. This variant is reported in 0.0062% of alleles in individuals of African descent in gnomAD. At this time, the clinical significance of this variant is uncertain due to the absence of conclusive functional and genetic evidence.